The following is an entry in ClinVar:

NM_176787.5(PIGN):c.1377T>C (p.Ser459=)

Gene: PIGN (phosphatidylinositol glycan anchor biosynthesis class N; minus strand). Cytogenetic location: 18q21.33.
Variant type: single nucleotide variant.
Coding change: c.1377T>C on transcript NM_176787.5 (MANE Select); coding-DNA position 1377, T replaced by C.
Protein change: p.Ser459=; no amino-acid change (serine 459 retained).
Molecular consequence: synonymous variant.
Genome position (GRCh38, 1-based): chr18:62,113,191, A>G on the plus strand (T>C on the coding strand, the complement: PIGN is on the minus strand). VCF-style: chr18-62113191-A-G. GRCh37 (hg19) VCF-style: chr18-59780424-A-G.
Other names: p.Ser459=; c.1377T>C, p.Ser459= (NM_012327.6).
Identifiers: ClinVar variation 403303 (VCV000403303.23), dbSNP rs17714875, ClinGen allele CA8982315.

ClinVar aggregate classification (germline): Benign. Review status: criteria provided, multiple submitters, no conflicts (2 of 4 stars). 7 submissions from 7 submitters: Benign (7). Last evaluated 2026-02-04.

Conditions:
Inborn genetic diseases. Identifiers: MedGen C0950123, MeSH D030342.
Multiple congenital anomalies-hypotonia-seizures syndrome 1 (MCAHS1). Also called: PIGN-CDG; Congenital disorder of glycosylation due to PIGN deficiency; GLYCOSYLPHOSPHATIDYLINOSITOL BIOSYNTHESIS DEFECT 3. Identifiers: Orphanet 280633, MedGen C3279775, MONDO:0013563, OMIM 614080.

Allele frequency attached by ClinVar (database versions not stated): 1000 Genomes Project 30x 0.09151; 1000 Genomes Project 0.09345; TOPMed 0.15845; gnomAD 0.16805; ESP Exome Variant Server 0.18779.
gnomAD v4.1: 354,138 of 1,610,870 alleles (22%); highest among the groups gnomAD compares: Non-Finnish European, 25%; 43,064 homozygotes.

Submissions (7):

Labcorp Genetics (formerly Invitae), Labcorp
Classification: Benign for Multiple congenital anomalies-hypotonia-seizures syndrome 1. Last evaluated: 2026-02-04. Review status: criteria provided, single submitter. Criteria: Invitae Variant Classification Sherloc (09022015). Collection method: clinical testing. Allele origin: germline.

Blueprint Genetics
Classification: Benign. Last evaluated: 2024-11-28. Review status: criteria provided, single submitter. Criteria: ACMG Guidelines, 2015. Collection method: clinical testing. Allele origin: germline.

Mayo Clinic Laboratories, Mayo Clinic
Classification: Benign. Last evaluated: 2021-11-29. Review status: criteria provided, single submitter. Criteria: ACMG Guidelines, 2015. Collection method: clinical testing. Allele origin: germline. Observed: 99 variant alleles.

GeneDx
Classification: Benign. Last evaluated: 2018-07-05. Review status: criteria provided, single submitter. Criteria: GeneDx Variant Classification Process June 2021. Collection method: clinical testing. Allele origin: germline. Affected: yes.

Laboratory for Molecular Medicine, Mass General Brigham Personalized Medicine
Classification: Benign. Last evaluated: 2016-03-29. Review status: criteria provided, single submitter. Criteria: LMM Criteria. Collection method: clinical testing. Allele origin: germline.
Comment: Variant identified in a genome or exome case(s) and assessed due to predicted null impact of the variant or pathogenic assertions in the literature or databases. Disclaimer: This variant has not undergone full assessment. The following are preliminary notes: Frequency

Ambry Genetics
Classification: Benign for Inborn genetic diseases. Last evaluated: 2016-03-19. Review status: criteria provided, single submitter. Criteria: Ambry Variant Classification Scheme 2023. Collection method: clinical testing. Allele origin: germline.

Breakthrough Genomics
Classification: Benign. Review status: criteria provided, single submitter. Criteria: ACMG Guidelines, 2015. Collection method: not provided. Allele origin: germline. Inheritance: Autosomal recessive inheritance. Affected: yes.